The following is an entry in ClinVar:

ClinVar aggregate classification (germline): Conflicting classifications of pathogenicity. Review status: criteria provided, conflicting classifications (1 of 4 stars). 7 submissions from 7 submitters: Uncertain significance (4); Likely benign (2). 1 of the submissions does not count toward it. Last evaluated 2025-05-06.

Conditions:
Inborn genetic diseases. Identifiers: MedGen C0950123, MeSH D030342.
L-2-hydroxyglutaric aciduria (L2HGA). Identifiers: Orphanet 79314, MedGen C1855995, MONDO:0009370, OMIM 236792, HP:0040144.

Allele frequency attached by ClinVar (database versions not stated): gnomAD 0.00021 and 0.00022; ExAC 0.00022; gnomAD exomes 0.00023 and 0.00032; 1000 Genomes Project 0.00040; TOPMed 0.00026; 1000 Genomes Project 30x 0.00031; ESP Exome Variant Server 0.00038.
gnomAD v4.1: 497 of 1,611,704 alleles (0.031%); highest among the groups gnomAD compares: Non-Finnish European, 0.04%; 2 homozygotes.

Submissions (7):

Ambry Genetics
Classification: Likely benign for Inborn genetic diseases. Last evaluated: 2025-05-06. Review status: criteria provided, single submitter. Criteria: Ambry Variant Classification Scheme 2023. Collection method: clinical testing. Allele origin: germline.

Blueprint Genetics
Classification: Uncertain significance. Last evaluated: 2024-11-05. Review status: criteria provided, single submitter. Criteria: ACMG Guidelines, 2015. Collection method: clinical testing. Allele origin: germline.

Labcorp Genetics (formerly Invitae), Labcorp
Classification: Uncertain significance for L-2-hydroxyglutaric aciduria. Last evaluated: 2024-02-24. Review status: criteria provided, single submitter. Criteria: Invitae Variant Classification Sherloc (09022015). Collection method: clinical testing. Allele origin: germline.
Comment: This sequence change replaces threonine, which is neutral and polar, with alanine, which is neutral and non-polar, at codon 393 of the L2HGDH protein (p.Thr393Ala). This variant is present in population databases (rs150157112, gnomAD 0.05%), including at least one homozygous and/or hemizygous individual. This variant has not been reported in the literature in individuals affected with L2HGDH-related conditions. ClinVar contains an entry for this variant (Variation ID: 435690). Advanced modeling of protein sequence and biophysical properties (such as structural, functional, and spatial information, amino acid conservation, physicochemical variation, residue mobility, and thermodynamic stability) performed at Invitae indicates that this missense variant is not expected to disrupt L2HGDH protein function with a negative predictive value of 80%. In summary, the available evidence is currently insufficient to determine the role of this variant in disease. Therefore, it has been classified as a Variant of Uncertain Significance.

Athena Diagnostics
Classification: Likely benign. Last evaluated: 2020-04-30. Review status: criteria provided, single submitter. Criteria: Athena Diagnostics Criteria. Collection method: clinical testing. Allele origin: unknown.

Fulgent Genetics
Classification: Uncertain significance for L-2-hydroxyglutaric aciduria. Last evaluated: 2018-10-31. Review status: criteria provided, single submitter. Criteria: ACMG Guidelines, 2015. Collection method: clinical testing. Allele origin: unknown.

Genetic Services Laboratory, University of Chicago
Classification: Uncertain significance. Last evaluated: 2017-04-14. Review status: criteria provided, single submitter. Criteria: ACMG Guidelines, 2015. Collection method: clinical testing. Allele origin: germline. Affected: no.

Mayo Clinic Laboratories, Mayo Clinic
Classification: Uncertain significance. Last evaluated: 2016-03-14. Review status: no assertion criteria provided. Collection method: clinical testing. Allele origin: unknown. Not counted in ClinVar's aggregate classification.

Literature cited by the submitters: PubMed 36413997 (cited by Ambry Genetics).

NM_024884.3(L2HGDH):c.1177A>G (p.Thr393Ala)

Gene: L2HGDH (L-2-hydroxyglutarate dehydrogenase; minus strand). Cytogenetic location: 14q21.3.
Variant type: single nucleotide variant.
Coding change: c.1177A>G on transcript NM_024884.3 (MANE Select); coding-DNA position 1177, A replaced by G.
Protein change: p.Thr393Ala; replaces threonine 393 with alanine.
Molecular consequence: missense variant.
Genome position (GRCh38, 1-based): chr14:50,265,377, T>C on the plus strand (A>G on the coding strand, the complement: L2HGDH is on the minus strand). VCF-style: chr14-50265377-T-C. GRCh37 (hg19) VCF-style: chr14-50732095-T-C.
Other names: short protein forms T393A.
Identifiers: ClinVar variation 435690 (VCV000435690.19), dbSNP rs150157112, ClinGen allele CA7177786.
Genomic context (GRCh38, chr14:50,265,377, plus strand): 5'-AGGTCAGGACTGTATTTACACTCCTTATCCCTTTTCCTTACCTAAGTATATCACTGATAG[T>C]AATTTCAGGGATGAATTTTTGAAGATACTTCACTGTTGCACCAAGAAAACATGCTTTATA-3'
Protein context (NP_079160.1, residues 383-403): KYLQKFIPEI[Thr393Ala]ISDILRGPAG